The following is an entry in ClinVar:

NM_001367624.2(ZNF469):c.4474_4479del (p.Val1492_Pro1493del)

Gene: ZNF469 (zinc finger protein 469; plus strand). Cytogenetic location: 16q24.2.
Variant type: Deletion.
Coding change: c.4474_4479del on transcript NM_001367624.2 (MANE Select); coding-DNA positions 4474 to 4479, 6 bases deleted (GTGCCG; older notation c.4474_4479delGTGCCG).
Protein change: p.Val1492_Pro1493del.
Molecular consequence: inframe deletion.
Genome position (GRCh38, 1-based): chr16:88,431,944-88,431,949, GTGCCG deleted; deleting any 6 consecutive bases within chr16:88,431,942-88,431,949 gives the same sequence; the c. name uses the placement nearest the transcript's 3' end. VCF-style (leftmost placement, unchanged base first): chr16-88431941-ACGGTGC-A. GRCh37 (hg19) VCF-style: chr16-88498349-ACGGTGC-A.
Other names: p.Val1492_Pro1493del.
Identifiers: ClinVar variation 1468823 (VCV001468823.6), dbSNP rs2142306153, ClinGen allele CA2573152829.

ClinVar aggregate classification (germline): Uncertain significance. Review status: criteria provided, multiple submitters, no conflicts (2 of 4 stars). 2 submissions from 2 submitters: Uncertain significance (2). Last evaluated 2024-04-03.

Submissions (2):

Mayo Clinic Laboratories, Mayo Clinic
Classification: Uncertain significance. Last evaluated: 2024-04-03. Review status: criteria provided, single submitter. Criteria: ACMG Guidelines, 2015. Collection method: clinical testing. Allele origin: germline. Observed: 1 variant allele.
Comment: PM2, PM4

Labcorp Genetics (formerly Invitae), Labcorp
Classification: Uncertain significance. Last evaluated: 2022-04-20. Review status: criteria provided, single submitter. Criteria: Invitae Variant Classification Sherloc (09022015). Collection method: clinical testing. Allele origin: germline.
Comment: This variant, c.4390_4395del, results in the deletion of 2 amino acid(s) of the ZNF469 protein (p.Val1464_Pro1465del), but otherwise preserves the integrity of the reading frame. This variant is not present in population databases (gnomAD no frequency). This variant has not been reported in the literature in individuals affected with ZNF469-related conditions. Experimental studies and prediction algorithms are not available or were not evaluated, and the functional significance of this variant is currently unknown. In summary, the available evidence is currently insufficient to determine the role of this variant in disease. Therefore, it has been classified as a Variant of Uncertain Significance.